The following is an entry in ClinVar:

NM_007055.4(POLR3A):c.4107C>A (p.Asp1369Glu)

Gene: POLR3A (RNA polymerase III subunit A; minus strand). Cytogenetic location: 10q22.3.
Variant type: single nucleotide variant.
Coding change: c.4107C>A on transcript NM_007055.4 (MANE Select); coding-DNA position 4107, C replaced by A.
Protein change: p.Asp1369Glu; replaces aspartic acid 1369 with glutamic acid.
Molecular consequence: missense variant.
Genome position (GRCh38, 1-based): chr10:77,977,544, G>T on the plus strand (C>A on the coding strand, the complement: POLR3A is on the minus strand). VCF-style: chr10-77977544-G-T. GRCh37 (hg19) VCF-style: chr10-79737302-G-T.
Other names: short protein forms D1369E.
Identifiers: ClinVar variation 2003921 (VCV002003921.4), dbSNP rs772831886, ClinGen allele CA377325727.

ClinVar aggregate classification (germline): Uncertain significance (1 of 4 stars; one submission).

Submission:

Labcorp Genetics (formerly Invitae), Labcorp
Classification: Uncertain significance. Last evaluated: 2022-07-07. Review status: criteria provided, single submitter. Criteria: Invitae Variant Classification Sherloc (09022015). Collection method: clinical testing. Allele origin: germline.
Comment: In summary, the available evidence is currently insufficient to determine the role of this variant in disease. Therefore, it has been classified as a Variant of Uncertain Significance. Algorithms developed to predict the effect of missense changes on protein structure and function (SIFT, PolyPhen-2, Align-GVGD) all suggest that this variant is likely to be tolerated. This variant has not been reported in the literature in individuals affected with POLR3A-related conditions. This variant is not present in population databases (gnomAD no frequency). This sequence change replaces aspartic acid, which is acidic and polar, with glutamic acid, which is acidic and polar, at codon 1369 of the POLR3A protein (p.Asp1369Glu).